The following is an entry in ClinVar:

NM_000781.3(CYP11A1):c.261G>A (p.Pro87=)

Gene: CYP11A1 (cytochrome P450 family 11 subfamily A member 1; minus strand). Cytogenetic location: 15q24.1.
Variant type: single nucleotide variant.
Coding change: c.261G>A on transcript NM_000781.3 (MANE Select); coding-DNA position 261, G replaced by A.
Protein change: p.Pro87=; no amino-acid change (proline 87 retained).
Molecular consequence: synonymous variant.
Genome position (GRCh38, 1-based): chr15:74,367,325, C>T on the plus strand (G>A on the coding strand, the complement: CYP11A1 is on the minus strand). VCF-style: chr15-74367325-C-T. GRCh37 (hg19) VCF-style: chr15-74659666-C-T.
Identifiers: ClinVar variation 723084 (VCV000723084.16), dbSNP rs141375785, ClinGen allele CA7656661.

ClinVar aggregate classification (germline): Conflicting classifications of pathogenicity. Review status: criteria provided, conflicting classifications (1 of 4 stars). 4 submissions from 4 submitters: Uncertain significance (1); Likely benign (2). 1 of the submissions does not count toward it. Last evaluated 2026-01-26.

Conditions:
CYP11A1-related disorder. Also called: CYP11A1-related condition.
Congenital adrenal insufficiency with 46, XY sex reversal OR 46,XY disorder of sex development-adrenal insufficiency due to CYP11A1 deficiency. Also called: Congenital adrenal insuffiency with 46, XY sex reversal OR 46,XY disorder of sex development-adrenal insufficiency due to CYP11A1 deficiency; P450scc DEFICIENCY. Identifiers: Orphanet 168558, MedGen C3151055, MONDO:0013400, OMIM 613743.

Allele frequency attached by ClinVar (database versions not stated): ESP Exome Variant Server 0.00008; ExAC 0.00021; gnomAD 0.00026; gnomAD exomes 0.00030; TOPMed 0.00043; 1000 Genomes Project 0.00060; 1000 Genomes Project 30x 0.00078.
gnomAD v4.1: 689 of 1,614,180 alleles (0.043%); highest among the groups gnomAD compares: Admixed American, 0.075%; no homozygotes.

Submissions (4):

Labcorp Genetics (formerly Invitae), Labcorp
Classification: Likely benign. Last evaluated: 2026-01-26. Review status: criteria provided, single submitter. Criteria: Invitae Variant Classification Sherloc (09022015). Collection method: clinical testing. Allele origin: germline.

Blueprint Genetics
Classification: Likely benign. Last evaluated: 2024-10-22. Review status: criteria provided, single submitter. Criteria: ACMG Guidelines, 2015. Collection method: clinical testing. Allele origin: germline.

Illumina Laboratory Services, Illumina
Classification: Uncertain significance for Congenital adrenal insufficiency with 46, XY sex reversal OR 46,XY disorder of sex development-adrenal insufficiency due to CYP11A1 deficiency. Last evaluated: 2018-01-13. Review status: criteria provided, single submitter. Criteria: ICSL Variant Classification Criteria 13 December 2019. Collection method: clinical testing. Allele origin: germline.

PreventionGenetics, part of Exact Sciences
Classification: Likely benign for CYP11A1-related condition. Last evaluated: 2019-08-14. Review status: no assertion criteria provided. Collection method: clinical testing. Allele origin: germline. Not counted in ClinVar's aggregate classification.
Comment: This variant is classified as likely benign based on ACMG/AMP sequence variant interpretation guidelines (Richards et al. 2015 PMID: 25741868, with internal and published modifications).